The following is an entry in ClinVar:

NM_004991.4(MECOM):c.2404G>A (p.Gly802Arg)

Gene: MECOM (MDS1 and EVI1 complex locus; minus strand). Cytogenetic location: 3q26.2.
Variant type: single nucleotide variant.
Coding change: c.2404G>A on transcript NM_004991.4 (MANE Select); coding-DNA position 2404, G replaced by A.
Protein change: p.Gly802Arg; replaces glycine 802 with arginine.
Molecular consequence: missense variant.
Genome position (GRCh38, 1-based): chr3:169,115,468, C>T on the plus strand (G>A on the coding strand, the complement: MECOM is on the minus strand). VCF-style: chr3-169115468-C-T. GRCh37 (hg19) VCF-style: chr3-168833256-C-T.
Other names: c.2035G>A, p.Gly679Arg (NM_001105077.4); c.1840G>A, p.Gly614Arg (NM_001105078.4, NM_001164000.2, NM_001205194.2 and 4 more transcripts); c.1843G>A, p.Gly615Arg (NM_001163999.2, NM_001366467.2, NM_001366468.2 and 1 more transcripts); c.2404G>A, p.Gly802Arg (NM_001366466.2); c.1432G>A, p.Gly478Arg (NM_001366473.2); c.868G>A, p.Gly290Arg (NM_001366474.2); short protein forms G290R, G478R, G802R, G614R, G679R, G615R.
Identifiers: ClinVar variation 4624598 (VCV004624598.1).

ClinVar aggregate classification (germline): Uncertain significance (1 of 4 stars; one submission).

Conditions:
Inborn genetic diseases. Identifiers: MedGen C0950123, MeSH D030342.

gnomAD v4.1: 1 of 1,614,076 alleles (0.000062%); no homozygotes.

Submission:

Ambry Genetics
Classification: Uncertain significance for Inborn genetic diseases. Last evaluated: 2025-09-23. Review status: criteria provided, single submitter. Criteria: Ambry Variant Classification Scheme 2023. Collection method: clinical testing. Allele origin: germline.
Comment: The p.G802R variant (also known as c.2404G>A), located in coding exon 8 of the MECOM gene, results from a G to A substitution at nucleotide position 2404. The glycine at codon 802 is replaced by arginine, an amino acid with dissimilar properties. This amino acid position is conserved. In addition, this alteration is predicted to be tolerated by in silico analysis. Based on the available evidence, the clinical significance of this variant remains unclear.